The following is an entry in ClinVar:

NM_000039.3(APOA1):c.364C>T (p.Gln122Ter)

Genes: APOA1 (apolipoprotein A1; minus strand), APOA1-AS (APOA1 antisense RNA; plus strand). Cytogenetic location: 11q23.3.
Variant type: single nucleotide variant.
Coding change: c.364C>T on transcript NM_000039.3 (MANE Select); coding-DNA position 364, C replaced by T.
Protein change: p.Gln122Ter; replaces glutamine 122 with a stop codon.
Molecular consequence: nonsense.
Genome position (GRCh38, 1-based): chr11:116,836,248, G>A on the plus strand (C>T on the coding strand, the complement: APOA1 is on the minus strand). VCF-style: chr11-116836248-G-A. GRCh37 (hg19) VCF-style: chr11-116706964-G-A.
Other names: c.364C>T, p.Gln122Ter (NM_001318017.2, NM_001318018.2); c.37C>T, p.Gln13Ter (NM_001318021.2); short protein forms Q122*, Q13*.
Identifiers: ClinVar variation 1687354 (VCV001687354.1), dbSNP rs2134231221, ClinGen allele CA382716428.

ClinVar aggregate classification (germline): Likely pathogenic (1 of 4 stars; one submission).

Conditions:
Hypoalphalipoproteinemia, primary, 2. Also called: HIGH DENSITY LIPOPROTEIN DEFICIENCY; HYPOALPHALIPOPROTEINEMIA, PRIMARY, 2, AUTOSOMAL RECESSIVE. Identifiers: MedGen C5551172, MONDO:0032766, OMIM 618463.

Submission:

3billion
Classification: Likely pathogenic for Hypoalphalipoproteinemia, primary, 2. Last evaluated: 2022-05-22. Review status: criteria provided, single submitter. Criteria: ACMG Guidelines, 2015. Collection method: clinical testing. Allele origin: germline. Affected: yes. Observed: 1 homozygote.
Comment: The variant is not observed in the gnomAD v2.1.1 dataset. Stop-gained (nonsense): predicted to result in a loss or disruption of normal protein function through protein truncation. The predicted truncated protein may be shortened by more than 10%. Therefore, this variant is classified as likely pathogenic according to the recommendation of ACMG/AMP guideline.